The following is an entry in ClinVar:

NM_006073.4(TRDN):c.23-3T>G

Gene: TRDN (triadin; minus strand). Cytogenetic location: 6q22.31.
Variant type: single nucleotide variant.
Coding change: c.23-3T>G on transcript NM_006073.4 (MANE Select); 3 bases into the intron before coding-DNA position 23, T replaced by G.
Molecular consequence: intron variant.
Genome position (GRCh38, 1-based): chr6:123,571,135, A>C on the plus strand (T>G on the coding strand, the complement: TRDN is on the minus strand). VCF-style: chr6-123571135-A-C. GRCh37 (hg19) VCF-style: chr6-123892280-A-C.
Other names: c.23-3T>G (NM_001407315.1, NM_001251987.2, NM_001256020.2 and 2 more transcripts).
Identifiers: ClinVar variation 4725507 (VCV004725507.1).
Genomic context (GRCh38, chr6:123,571,135, plus strand): 5'-GATTTGGGCACAGATCCATTTTTGCTGTCTATCACAGTTGTGGTTGTAGATGCATTTCCT[A>C]ATCAAACATTCAGAAAGGAAAATATAATTTAGAGATTCATGGTAAATATTGATGATGAGA-3'

ClinVar aggregate classification (germline): Uncertain significance (1 of 4 stars; one submission).

Conditions:
Catecholaminergic polymorphic ventricular tachycardia 1. Also called: RYR2-Related Catecholaminergic Polymorphic Ventricular Tachycardia; VENTRICULAR TACHYCARDIA, STRESS-INDUCED POLYMORPHIC 1; VENTRICULAR TACHYCARDIA, CATECHOLAMINERGIC POLYMORPHIC, 1, WITH OR WITHOUT ATRIAL DYSFUNCTION AND/OR DILATED CARDIOMYOPATHY. Identifiers: Orphanet 3286, MedGen C1631597, MONDO:0011484, OMIM 604772.

Submission:

Labcorp Genetics (formerly Invitae), Labcorp
Classification: Uncertain significance for Catecholaminergic polymorphic ventricular tachycardia 1. Last evaluated: 2025-09-04. Review status: criteria provided, single submitter. Criteria: Invitae Variant Classification Sherloc (09022015). Collection method: clinical testing. Allele origin: germline.
Comment: This sequence change falls in intron 1 of the TRDN gene. It does not directly change the encoded amino acid sequence of the TRDN protein. It affects a nucleotide within the consensus splice site. This variant is not present in population databases (gnomAD no frequency). This variant has not been reported in the literature in individuals affected with TRDN-related conditions. Variants that disrupt the consensus splice site are a relatively common cause of aberrant splicing (PMID: 17576681, 9536098). Algorithms developed to predict the effect of sequence changes on RNA splicing suggest that this variant may disrupt the consensus splice site. In summary, the available evidence is currently insufficient to determine the role of this variant in disease. Therefore, it has been classified as a Variant of Uncertain Significance.

Literature cited by the submitters: PubMed 17576681; PubMed 9536098.